The following is an entry in ClinVar:

ClinVar aggregate classification (germline): Likely benign. Review status: criteria provided, single submitter (1 of 4 stars). 2 submissions from 2 submitters: Likely benign (1). 1 of the submissions does not count toward it. Last evaluated 2025-12-19.

Conditions:
SH3TC2-related disorder. Also called: SH3TC2-related condition; SH3TC2-related disorders. Identifiers: MedGen CN239303.
Charcot-Marie-Tooth disease type 4. Also called: Charcot-Marie-Tooth disease, type IV; Charcot-Marie-Tooth, Type 4. Identifiers: Orphanet 64749, MedGen C4082197, MONDO:0018995.

Allele frequency attached by ClinVar (database versions not stated): gnomAD 0.00001; gnomAD exomes 0.00001 and 0.00002; TOPMed 0.00001; ExAC 0.00002.
gnomAD v4.1: 36 of 1,613,794 alleles (0.0022%); highest among the groups gnomAD compares: Non-Finnish European, 0.003%; no homozygotes.

Submissions (2):

Labcorp Genetics (formerly Invitae), Labcorp
Classification: Likely benign for Charcot-Marie-Tooth disease type 4. Last evaluated: 2025-12-19. Review status: criteria provided, single submitter. Criteria: Invitae Variant Classification Sherloc (09022015). Collection method: clinical testing. Allele origin: germline.

PreventionGenetics, part of Exact Sciences
Classification: Likely benign for SH3TC2-related condition. Last evaluated: 2019-06-12. Review status: no assertion criteria provided. Collection method: clinical testing. Allele origin: germline. Not counted in ClinVar's aggregate classification.
Comment: This variant is classified as likely benign based on ACMG/AMP sequence variant interpretation guidelines (Richards et al. 2015 PMID: 25741868, with internal and published modifications).

NM_024577.4(SH3TC2):c.3546T>C (p.Tyr1182=)

Gene: SH3TC2 (SH3 domain and tetratricopeptide repeats 2; minus strand). Cytogenetic location: 5q32.
Variant type: single nucleotide variant.
Coding change: c.3546T>C on transcript NM_024577.4 (MANE Select); coding-DNA position 3546, T replaced by C.
Protein change: p.Tyr1182=; no amino-acid change (tyrosine 1182 retained).
Molecular consequence: synonymous variant.
Genome position (GRCh38, 1-based): chr5:149,007,010, A>G on the plus strand (T>C on the coding strand, the complement: SH3TC2 is on the minus strand). VCF-style: chr5-149007010-A-G. GRCh37 (hg19) VCF-style: chr5-148386573-A-G.
Other names: c.3546T>C (NM_024577.3).
Identifiers: ClinVar variation 1614404 (VCV001614404.10), dbSNP rs757190448, ClinGen allele CA3498682.